The following is an entry in ClinVar:

NM_000245.4(MET):c.3540T>G (p.Asp1180Glu)

Gene: MET (MET proto-oncogene, receptor tyrosine kinase; plus strand). Cytogenetic location: 7q31.2.
Variant type: single nucleotide variant.
Coding change: c.3540T>G on transcript NM_000245.4 (MANE Select); coding-DNA position 3540, T replaced by G.
Protein change: p.Asp1180Glu; replaces aspartic acid 1180 with glutamic acid.
Molecular consequence: missense variant.
Genome position (GRCh38, 1-based): chr7:116,782,005, T>G. VCF-style: chr7-116782005-T-G. GRCh37 (hg19) VCF-style: chr7-116422059-T-G.
Other names: c.3594T>G, p.Asp1198Glu (NM_001127500.3); c.2250T>G, p.Asp750Glu (NM_001324402.2); short protein forms D1180E, D750E, D1198E.
Identifiers: ClinVar variation 1733014 (VCV001733014.3), dbSNP rs1795171447, ClinGen allele CA368990913.

ClinVar aggregate classification (germline): Uncertain significance. Review status: criteria provided, multiple submitters, no conflicts (2 of 4 stars). 2 submissions from 2 submitters: Uncertain significance (2). Last evaluated 2025-12-24.

Conditions:
Renal cell carcinoma. Identifiers: Orphanet 217071, MedGen C0007134, MeSH D002292, MONDO:0005086, HP:0005584.
Hereditary cancer-predisposing syndrome. Also called: Neoplastic Syndromes, Hereditary; Tumor predisposition; Hereditary Cancer Syndrome; Hereditary neoplastic syndrome. Identifiers: Orphanet 140162, MedGen C0027672, MeSH D009386, MONDO:0015356.

gnomAD v4.1: 1 of 1,613,040 alleles (0.000062%); highest among the groups gnomAD compares: East Asian, 0.0022%; no homozygotes.

Submissions (2):

Labcorp Genetics (formerly Invitae), Labcorp
Classification: Uncertain significance for Renal cell carcinoma. Last evaluated: 2025-12-24. Review status: criteria provided, single submitter. Criteria: Invitae Variant Classification Sherloc (09022015). Collection method: clinical testing. Allele origin: germline.
Comment: This sequence change replaces aspartic acid, which is acidic and polar, with glutamic acid, which is acidic and polar, at codon 1198 of the MET protein (p.Asp1198Glu). This variant is not present in population databases (gnomAD no frequency). This variant has not been reported in the literature in individuals affected with MET-related conditions. ClinVar contains an entry for this variant (Variation ID: 1733014). Invitae Evidence Modeling of protein sequence and biophysical properties (such as structural, functional, and spatial information, amino acid conservation, physicochemical variation, residue mobility, and thermodynamic stability) has been performed for this missense variant. However, the output from this modeling did not meet the statistical confidence thresholds required to predict the impact of this variant on MET protein function. In summary, the available evidence is currently insufficient to determine the role of this variant in disease. Therefore, it has been classified as a Variant of Uncertain Significance.

Ambry Genetics
Classification: Uncertain significance for Hereditary cancer-predisposing syndrome. Last evaluated: 2022-02-28. Review status: criteria provided, single submitter. Criteria: Ambry Variant Classification Scheme 2023. Collection method: clinical testing. Allele origin: germline.
Comment: The p.D1198E variant (also known as c.3594T>G), located in coding exon 17 of the MET gene, results from a T to G substitution at nucleotide position 3594. The aspartic acid at codon 1198 is replaced by glutamic acid, an amino acid with highly similar properties. This amino acid position is conserved. In addition, this alteration is predicted to be deleterious by in silico analysis. Since supporting evidence is limited at this time, the clinical significance of this alteration remains unclear.